The following is an entry in ClinVar:

NM_017777.4(MKS1):c.508C>T (p.Arg170Ter)

Gene: MKS1 (MKS transition zone complex subunit 1; minus strand). Cytogenetic location: 17q22.
Variant type: single nucleotide variant.
Coding change: c.508C>T on transcript NM_017777.4 (MANE Select); coding-DNA position 508, C replaced by T.
Protein change: p.Arg170Ter; replaces arginine 170 with a stop codon.
Molecular consequence: nonsense. On other transcripts: intron variant (1).
Genome position (GRCh38, 1-based): chr17:58,214,748, G>A on the plus strand (C>T on the coding strand, the complement: MKS1 is on the minus strand). VCF-style: chr17-58214748-G-A. GRCh37 (hg19) VCF-style: chr17-56292109-G-A.
Other names: c.508C>T, p.Arg170Ter (NM_001321269.2, NM_001330397.2); c.-94-361C>T (NM_001321268.2); short protein forms R170*.
Identifiers: ClinVar variation 235405 (VCV000235405.19), dbSNP rs756853299, ClinGen allele CA8669502.
Genomic context (GRCh38, chr17:58,214,748, plus strand): 5'-ACTTTAGGAAATAAAAAGTAAAAGCTTGTCCCCCATCCCATGCCCGCACTCACATCCCTC[G>A]CCTGTCCTGCCGGCGACGCCTGACATTTGCCATTCGCTCGACCAAGAATGAAGGCACCTC-3'

ClinVar aggregate classification (germline): Pathogenic/Likely pathogenic. Review status: criteria provided, multiple submitters, no conflicts (2 of 4 stars). 9 submissions from 9 submitters: Pathogenic (1); Likely pathogenic (6). 2 of the submissions do not count toward it. Last evaluated 2025-09-10.

Conditions:
Bardet-Biedl syndrome 13 (BBS13). Identifiers: Orphanet 110, MedGen C2673873, MONDO:0014441, OMIM 615990.
Joubert syndrome 28 (JBTS28). Identifiers: MedGen C4310705, MONDO:0014928, OMIM 617121.
Meckel syndrome, type 1 (MKS1). Also called: MECKEL-GRUBER SYNDROME, TYPE 1. Identifiers: Orphanet 564, MedGen C3714506, MONDO:0009571, OMIM 249000.
Meckel-Gruber syndrome. Also called: Dysencephalia splachnocystica; DYSENCEPHALIA SPLANCHNOCYSTICA; GRUBER SYNDROME. Identifiers: Orphanet 564, MedGen C0265215, MONDO:0018921.
Joubert syndrome. Also called: JOUBERT-BOLTSHAUSER SYNDROME; Familial aplasia of the vermis. Identifiers: Orphanet 475, MedGen C5979921, MONDO:0018772.
MKS1-related disorder. Also called: MKS1-related condition; MKS1-related disorders. Identifiers: MedGen CN239382.

Allele frequency attached by ClinVar (database versions not stated): ExAC 0.00001; gnomAD exomes 0.00001 and 0.00002; TOPMed 0.00002.
gnomAD v4.1: 10 of 1,605,650 alleles (0.00062%); highest among the groups gnomAD compares: South Asian, 0.0055%; no homozygotes.

Submissions (9):

Dasa
Classification: Likely pathogenic. Last evaluated: 2025-09-10. Review status: criteria provided, single submitter. Criteria: DASA Assertion Criteria. Collection method: clinical testing. Allele origin: germline.
Comment: NM_017777.4(MKS1):c.508C>T (p.Arg170*) is a nonsense variant in MKS1 predicted to introduce a premature termination codon and is predicted to result in an absent or altered protein product. Loss of function is an established disease mechanism for MKS1-associated disorders. Also, this variant is rare in population databases. Based on the currently available evidence, this variant is classified as likely pathogenic.

Natera, Inc.
Classification: Likely pathogenic for Meckel syndrome type 1. Last evaluated: 2025-08-21. Review status: criteria provided, single submitter. Criteria: Natera Variant Classification Schema (03/2026). Collection method: clinical testing. Allele origin: germline.
Comment: The c.508C>T variant in MKS1 is a nonsense variant predicted to introduce a stop codon at amino acid 170. This variant is expected to result in nonsense mediated decay, truncation, or a dysfunctional protein product. This variant is rare in the general population with a frequency below the threshold expected for the associated phenotype(s). Given the available evidence, this variant is classified as Likely Pathogenic.

Labcorp Genetics (formerly Invitae), Labcorp
Classification: Pathogenic for Joubert syndrome; Meckel-Gruber syndrome. Last evaluated: 2025-03-13. Review status: criteria provided, single submitter. Criteria: Invitae Variant Classification Sherloc (09022015). Collection method: clinical testing. Allele origin: germline.
Comment: This sequence change creates a premature translational stop signal (p.Arg170*) in the MKS1 gene. It is expected to result in an absent or disrupted protein product. Loss-of-function variants in MKS1 are known to be pathogenic (PMID: 19466712, 24886560, 26490104). The frequency data for this variant in the population databases is considered unreliable, as metrics indicate poor data quality at this position in the gnomAD database. This variant has not been reported in the literature in individuals affected with MKS1-related conditions. ClinVar contains an entry for this variant (Variation ID: 235405). Algorithms developed to predict the effect of sequence changes on RNA splicing suggest that this variant may disrupt the consensus splice site. For these reasons, this variant has been classified as Pathogenic.

Blueprint Genetics
Classification: Likely pathogenic for MKS1-related disorders. Last evaluated: 2024-09-12. Review status: criteria provided, single submitter. Criteria: ACMG Guidelines, 2015. Collection method: clinical testing. Allele origin: germline. Affected: yes. Observed: 4 variant alleles.

Fulgent Genetics
Classification: Likely pathogenic for Meckel syndrome, type 1; Bardet-Biedl syndrome 13; Joubert syndrome 28. Last evaluated: 2024-04-13. Review status: criteria provided, single submitter. Criteria: ACMG Guidelines, 2015. Collection method: clinical testing. Allele origin: germline.

Baylor Genetics
Classification: Likely pathogenic for Bardet-Biedl syndrome 13. Last evaluated: 2024-03-28. Review status: criteria provided, single submitter. Criteria: ACMG Guidelines, 2015. Collection method: clinical testing. Allele origin: unknown.

Center for Pediatric Genomic Medicine, Children's Mercy Hospital and Clinics
Classification: Likely pathogenic. Last evaluated: 2015-10-22. Review status: criteria provided, single submitter. Criteria: ACMG Guidelines, 2015. Collection method: clinical testing. Allele origin: germline.

PreventionGenetics, part of Exact Sciences
Classification: Likely pathogenic for MKS1-related condition. Last evaluated: 2024-06-04. Review status: no assertion criteria provided. Collection method: clinical testing. Allele origin: germline. Not counted in ClinVar's aggregate classification.
Comment: The MKS1 c.508C>T variant is predicted to result in premature protein termination (p.Arg170*). To our knowledge, this variant has not been reported in the literature. This variant is reported in 0.0065% of alleles in individuals of African descent in gnomAD. Nonsense variants in MKS1 are expected to be pathogenic. This variant is interpreted as likely pathogenic.

Counsyl
Classification: Likely pathogenic for Meckel syndrome, type 1; Bardet-Biedl syndrome 13; Joubert syndrome 28. Last evaluated: 2017-08-24. Review status: no assertion criteria provided. Collection method: clinical testing. Allele origin: unknown. Not counted in ClinVar's aggregate classification.

Literature cited by the submitters: PubMed 19466712 (cited by Labcorp Genetics (formerly Invitae), Labcorp); PubMed 24886560 (cited by Labcorp Genetics (formerly Invitae), Labcorp); PubMed 26490104 (cited by Labcorp Genetics (formerly Invitae), Labcorp).